The following is an entry in ClinVar:

NM_002354.3(EPCAM):c.904-12T>C

Gene: EPCAM (epithelial cell adhesion molecule; plus strand). Cytogenetic location: 2p21.
Variant type: single nucleotide variant.
Coding change: c.904-12T>C on transcript NM_002354.3 (MANE Select); 12 bases into the intron before coding-DNA position 904, T replaced by C.
Molecular consequence: intron variant.
Genome position (GRCh38, 1-based): chr2:47,386,560, T>C. VCF-style: chr2-47386560-T-C. GRCh37 (hg19) VCF-style: chr2-47613699-T-C.
Identifiers: ClinVar variation 258645 (VCV000258645.18), dbSNP rs62139669, ClinGen allele CA1649222.

ClinVar aggregate classification (germline): Benign/Likely benign. Review status: criteria provided, multiple submitters, no conflicts (2 of 4 stars). 9 submissions from 9 submitters: Benign (5); Likely benign (2). 2 of the submissions do not count toward it. Last evaluated 2025-03-04.

Conditions:
Lynch syndrome 8 (LYNCH8). Also called: Colorectal cancer, hereditary nonpolyposis, type 8. Identifiers: Orphanet 144, MedGen C2750471, MONDO:0013196, OMIM 613244.

Allele frequency attached by ClinVar (database versions not stated): 1000 Genomes Project 30x 0.02436; 1000 Genomes Project 0.02596; ESP Exome Variant Server 0.02939; TOPMed 0.03177; gnomAD 0.03374 and 0.03423; ExAC 0.03861.

Submissions (9):

Center for Genomic Medicine, Rigshospitalet, Copenhagen University Hospital
Classification: Likely benign. Last evaluated: 2025-03-04. Review status: criteria provided, single submitter. Criteria: ACMG Guidelines, 2015. Collection method: clinical testing. Allele origin: germline.

Blueprint Genetics
Classification: Likely benign. Last evaluated: 2024-11-26. Review status: criteria provided, single submitter. Criteria: ACMG Guidelines, 2015. Collection method: clinical testing. Allele origin: germline.

KCCC/NGS Laboratory, Kuwait Cancer Control Center
Classification: Benign for Lynch syndrome 8. Last evaluated: 2023-07-07. Review status: criteria provided, single submitter. Criteria: ACMG Guidelines, 2015. Collection method: clinical testing. Allele origin: germline. Affected: yes.

Laboratory for Molecular Medicine, Mass General Brigham Personalized Medicine
Classification: Benign. Last evaluated: 2016-03-28. Review status: criteria provided, single submitter. Criteria: LMM Criteria. Collection method: clinical testing. Allele origin: germline.
Comment: Variant identified in a genome or exome case(s) and assessed due to predicted null impact of the variant or pathogenic assertions in the literature or databases. Disclaimer: This variant has not undergone full assessment. The following are preliminary notes: Frequency

GeneDx
Classification: Benign. Last evaluated: 2015-03-03. Review status: criteria provided, single submitter. Criteria: GeneDx Variant Classification Process June 2021. Collection method: clinical testing. Allele origin: germline. Affected: yes.

Breakthrough Genomics
Classification: Benign. Review status: criteria provided, single submitter. Criteria: ACMG Guidelines, 2015. Collection method: not provided. Allele origin: germline. Inheritance: Autosomal recessive inheritance. Affected: yes.

PreventionGenetics, part of Exact Sciences
Classification: Benign. Review status: criteria provided, single submitter. Criteria: ACMG Guidelines, 2015. Collection method: clinical testing. Allele origin: germline.

Clinical Genetics Laboratory, Department of Pathology, Netherlands Cancer Institute
Classification: Benign. Review status: no assertion criteria provided. Collection method: clinical testing. Allele origin: germline. Affected: yes. Study: VKGL Data-share Consensus. Not counted in ClinVar's aggregate classification.

Clinical Genetics, Academic Medical Center
Classification: Benign. Review status: no assertion criteria provided. Collection method: clinical testing. Allele origin: germline. Affected: yes. Study: VKGL Data-share Consensus. Not counted in ClinVar's aggregate classification.